The following is an entry in ClinVar:

ClinVar aggregate classification (germline): Uncertain significance. Review status: criteria provided, multiple submitters, no conflicts (2 of 4 stars). 3 submissions from 3 submitters: Uncertain significance (2). 1 of the submissions does not count toward it. Last evaluated 2024-06-12.

Conditions:
Retinal dystrophy. Also called: Inherited retinal dystrophy. Identifiers: Orphanet 71862, MedGen C0854723, MeSH D058499, MONDO:0019118, HP:0000556.
Inborn genetic diseases. Identifiers: MedGen C0950123, MeSH D030342.

Allele frequency attached by ClinVar (database versions not stated): gnomAD 0.00001; gnomAD exomes 0.00001; ExAC 0.00008.
gnomAD v4.1: 18 of 1,542,498 alleles (0.0012%); highest among the groups gnomAD compares: South Asian, 0.019%; no homozygotes.

Submissions (3):

Labcorp Genetics (formerly Invitae), Labcorp
Classification: Uncertain significance. Last evaluated: 2024-06-12. Review status: criteria provided, single submitter. Criteria: Invitae Variant Classification Sherloc (09022015). Collection method: clinical testing. Allele origin: germline.
Comment: This sequence change replaces isoleucine, which is neutral and non-polar, with threonine, which is neutral and polar, at codon 24 of the C1QTNF5 protein (p.Ile24Thr). This variant is present in population databases (rs776355515, gnomAD 0.02%). This variant has not been reported in the literature in individuals affected with C1QTNF5-related conditions. ClinVar contains an entry for this variant (Variation ID: 1974120). An algorithm developed to predict the effect of missense changes on protein structure and function (PolyPhen-2) suggests that this variant is likely to be disruptive. In summary, the available evidence is currently insufficient to determine the role of this variant in disease. Therefore, it has been classified as a Variant of Uncertain Significance.

Ambry Genetics
Classification: Uncertain significance for Inborn genetic diseases. Last evaluated: 2023-08-15. Review status: criteria provided, single submitter. Criteria: Ambry Variant Classification Scheme 2023. Collection method: clinical testing. Allele origin: germline.

Institute of Human Genetics, Univ. Regensburg, Univ. Regensburg
Classification: Uncertain significance for Retinal dystrophy. Last evaluated: 2021-01-01. Review status: no assertion criteria provided. Criteria: ACMG Guidelines, 2015. Collection method: clinical testing. Allele origin: germline. Affected: yes. Not counted in ClinVar's aggregate classification.

NM_001278431.2(C1QTNF5):c.71T>C (p.Ile24Thr)

Genes: C1QTNF5 (C1q and TNF related 5; minus strand), MFRP (membrane frizzled-related protein; minus strand). Cytogenetic location: 11q23.3.
Variant type: single nucleotide variant.
Coding change: c.71T>C on transcript NM_001278431.2 (MANE Select); coding-DNA position 71, T replaced by C.
Protein change: p.Ile24Thr; replaces isoleucine 24 with threonine.
Molecular consequence: missense variant. On other transcripts: 3 prime UTR variant (1).
Genome position (GRCh38, 1-based): chr11:119,340,327, A>G on the plus strand (T>C on the coding strand, the complement: C1QTNF5 is on the minus strand). VCF-style: chr11-119340327-A-G. GRCh37 (hg19) VCF-style: chr11-119211037-A-G.
Other names: c.71T>C, p.Ile24Thr (NM_015645.5); c.*967T>C (NM_031433.4); short protein forms I24T.
Identifiers: ClinVar variation 1974120 (VCV001974120.8), dbSNP rs776355515, ClinGen allele CA6320003.